The following is an entry in ClinVar:

NM_001365088.1(SLC12A6):c.1598G>A (p.Ser533Asn)

Gene: SLC12A6 (solute carrier family 12 member 6; minus strand). Cytogenetic location: 15q14.
Variant type: single nucleotide variant.
Coding change: c.1598G>A on transcript NM_001365088.1 (MANE Select); coding-DNA position 1598, G replaced by A.
Protein change: p.Ser533Asn; replaces serine 533 with asparagine.
Molecular consequence: missense variant.
Genome position (GRCh38, 1-based): chr15:34,250,349, C>T on the plus strand (G>A on the coding strand, the complement: SLC12A6 is on the minus strand). VCF-style: chr15-34250349-C-T. GRCh37 (hg19) VCF-style: chr15-34542550-C-T.
Other names: c.1421G>A, p.Ser474Asn (NM_001042494.2, NM_001042495.2); c.1571G>A, p.Ser524Asn (NM_001042496.2); c.1553G>A, p.Ser518Asn (NM_001042497.2); c.1445G>A, p.Ser482Asn (NM_005135.2); c.1598G>A, p.Ser533Asn (NM_133647.2); short protein forms S482N, S524N, S533N, S474N, S518N.
Identifiers: ClinVar variation 2519445 (VCV002519445.5), dbSNP rs368900239, ClinGen allele CA7464264.
Genomic context (GRCh38, chr15:34,250,349, plus strand): 5'-ATTACTCACTTGTCTCTGAGAACAACCCCTTCAATACATGCACCAAAAAGGACAACATTG[C>T]TTAAATCTACCATATTGAGAGTCAAGGAAACTGTTGTTTACCCTCTAACATGAGATAGAA-3'
Protein context (NP_001352017.1, residues 523-543): AILTTSFVYL[Ser533Asn]NVVLFGACIE

ClinVar aggregate classification (germline): Uncertain significance. Review status: criteria provided, multiple submitters, no conflicts (2 of 4 stars). 2 submissions from 2 submitters: Uncertain significance (2). Last evaluated 2023-09-24.

Conditions:
Inborn genetic diseases. Identifiers: MedGen C0950123, MeSH D030342.

Allele frequency attached by ClinVar (database versions not stated): ExAC 0.00001; gnomAD exomes 0.00001; TOPMed 0.00001; ESP Exome Variant Server 0.00008.
gnomAD v4.1: 8 of 1,586,156 alleles (0.0005%); highest among the groups gnomAD compares: Non-Finnish European, 0.00069%; no homozygotes.

Submissions (2):

Labcorp Genetics (formerly Invitae), Labcorp
Classification: Uncertain significance. Last evaluated: 2023-09-24. Review status: criteria provided, single submitter. Criteria: Invitae Variant Classification Sherloc (09022015). Collection method: clinical testing. Allele origin: germline.
Comment: In summary, the available evidence is currently insufficient to determine the role of this variant in disease. Therefore, it has been classified as a Variant of Uncertain Significance. Advanced modeling of protein sequence and biophysical properties (such as structural, functional, and spatial information, amino acid conservation, physicochemical variation, residue mobility, and thermodynamic stability) has been performed at Invitae for this missense variant, however the output from this modeling did not meet the statistical confidence thresholds required to predict the impact of this variant on SLC12A6 protein function. ClinVar contains an entry for this variant (Variation ID: 2519445). This variant has not been reported in the literature in individuals affected with SLC12A6-related conditions. This variant is present in population databases (rs368900239, gnomAD 0.0009%). This sequence change replaces serine, which is neutral and polar, with asparagine, which is neutral and polar, at codon 533 of the SLC12A6 protein (p.Ser533Asn).

Ambry Genetics
Classification: Uncertain significance for Inborn genetic diseases. Last evaluated: 2023-04-19. Review status: criteria provided, single submitter. Criteria: Ambry Variant Classification Scheme 2023. Collection method: clinical testing. Allele origin: germline.